The following is an entry in ClinVar:

NM_017802.4(DNAAF5):c.1544C>G (p.Ala515Gly)

Gene: DNAAF5 (dynein axonemal assembly factor 5; plus strand). Cytogenetic location: 7p22.3.
Variant type: single nucleotide variant.
Coding change: c.1544C>G on transcript NM_017802.4 (MANE Select); coding-DNA position 1544, C replaced by G.
Protein change: p.Ala515Gly; replaces alanine 515 with glycine.
Molecular consequence: missense variant. On other transcripts: non-coding transcript variant (1).
Genome position (GRCh38, 1-based): chr7:761,826, C>G. VCF-style: chr7-761826-C-G. GRCh37 (hg19) VCF-style: chr7-801463-C-G.
Other names: short protein forms A515G.
Identifiers: ClinVar variation 3899181 (VCV003899181.1).

ClinVar aggregate classification (germline): Uncertain significance (1 of 4 stars; one submission).

gnomAD v4.1: 1 of 1,606,324 alleles (0.000062%); highest among the groups gnomAD compares: Non-Finnish European, 0.000085%; no homozygotes.

Submission:

GeneDx
Classification: Uncertain significance. Last evaluated: 2024-11-07. Review status: criteria provided, single submitter. Criteria: GeneDx Variant Classification Process June 2021. Collection method: clinical testing. Allele origin: germline. Affected: yes.
Comment: Not observed at significant frequency in large population cohorts (gnomAD); In silico analysis indicates that this missense variant does not alter protein structure/function; Has not been previously published as pathogenic or benign to our knowledge